The following is an entry in ClinVar:

ClinVar aggregate classification (germline): Benign. Review status: criteria provided, multiple submitters, no conflicts (2 of 4 stars). 11 submissions from 10 submitters: Benign (8). 3 of the submissions do not count toward it. Last evaluated 2026-02-03.

Conditions:
Emery-Dreifuss muscular dystrophy 4, autosomal dominant (EDMD4). Also called: EMERY-DREIFUSS MUSCULAR DYSTROPHY 4 WITH VARIABLE FEATURES. Identifiers: Orphanet 261, MedGen C2751807, MONDO:0013071, OMIM 612998.
Autosomal recessive ataxia, Beauce type. Also called: SYNE1 Deficiency; Spinocerebellar ataxia, autosomal recessive 8; ATAXIA, RECESSIVE, OF BEAUCE; SYNE1-Related Autosomal Recessive Cerebellar Ataxia. Identifiers: Orphanet 88644, MedGen C1853116, MONDO:0012549, OMIM 610743.

Allele frequency attached by ClinVar (database versions not stated): ESP Exome Variant Server 0.05467; gnomAD 0.06565 and 0.07333; TOPMed 0.07287; gnomAD exomes 0.07519 and 0.09610; ExAC 0.09593; 1000 Genomes Project 30x 0.15303; 1000 Genomes Project 0.16514.
gnomAD v4.1: 121,813 of 1,613,398 alleles (7.6%); highest among the groups gnomAD compares: East Asian, 41%; 7,834 homozygotes.

Submissions (11):

Labcorp Genetics (formerly Invitae), Labcorp
Classification: Benign for Emery-Dreifuss muscular dystrophy 4, autosomal dominant; Autosomal recessive ataxia, Beauce type. Last evaluated: 2026-02-03. Review status: criteria provided, single submitter. Criteria: Invitae Variant Classification Sherloc (09022015). Collection method: clinical testing. Allele origin: germline.

Blueprint Genetics
Classification: Benign. Last evaluated: 2024-11-26. Review status: criteria provided, single submitter. Criteria: ACMG Guidelines, 2015. Collection method: clinical testing. Allele origin: germline.

Athena Diagnostics
Classification: Benign. Last evaluated: 2018-11-28. Review status: criteria provided, single submitter. Criteria: Athena Diagnostics Criteria. Collection method: clinical testing. Allele origin: germline.

Illumina Laboratory Services, Illumina
Classification: Benign for Autosomal recessive ataxia, Beauce type. Last evaluated: 2018-01-12. Review status: criteria provided, single submitter. Criteria: ICSL Variant Classification Criteria 13 December 2019. Collection method: clinical testing. Allele origin: germline.
Comment: This variant was observed in the ICSL laboratory as part of a predisposition screen in an ostensibly healthy population. It had not been previously curated by ICSL or reported in the Human Gene Mutation Database (HGMD: prior to June 1st, 2018), and was therefore a candidate for classification through an automated scoring system. Utilizing variant allele frequency, disease prevalence and penetrance estimates, and inheritance mode, an automated score was calculated to assess if this variant is too frequent to cause the disease. Based on the score and internal cut-off values, a variant classified as benign is not then subjected to further curation. The score for this variant resulted in a classification of benign for this disease.

Illumina Laboratory Services, Illumina
Classification: Benign for Emery-Dreifuss muscular dystrophy 4, autosomal dominant. Last evaluated: 2018-01-12. Review status: criteria provided, single submitter. Criteria: ICSL Variant Classification Criteria 13 December 2019. Collection method: clinical testing. Allele origin: germline.
Comment: the same text as in the submission from Illumina Laboratory Services, Illumina above.

Mayo Clinic Laboratories, Mayo Clinic
Classification: Benign. Last evaluated: 2017-08-24. Review status: criteria provided, single submitter. Criteria: ACMG Guidelines, 2015. Collection method: clinical testing. Allele origin: germline. Observed: 147 variant alleles.

GeneDx
Classification: Benign. Last evaluated: 2016-01-25. Review status: criteria provided, single submitter. Criteria: GeneDx Variant Classification (06012015). Collection method: clinical testing. Allele origin: germline. Affected: yes.
Comment: This variant is considered likely benign or benign based on one or more of the following criteria: it is a conservative change, it occurs at a poorly conserved position in the protein, it is predicted to be benign by multiple in silico algorithms, and/or has population frequency not consistent with disease.

PreventionGenetics, part of Exact Sciences
Classification: Benign. Review status: criteria provided, single submitter. Criteria: ACMG Guidelines, 2015. Collection method: clinical testing. Allele origin: germline.

Clinical Genetics DNA and cytogenetics Diagnostics Lab, Erasmus MC, Erasmus Medical Center
Classification: Benign. Review status: no assertion criteria provided. Collection method: clinical testing. Allele origin: germline. Affected: yes. Study: VKGL Data-share Consensus. Not counted in ClinVar's aggregate classification.

Clinical Genetics, Academic Medical Center
Classification: Benign. Review status: no assertion criteria provided. Collection method: clinical testing. Allele origin: germline. Affected: yes. Study: VKGL Data-share Consensus. Not counted in ClinVar's aggregate classification.

Genetic Services Laboratory, University of Chicago
Classification: Likely benign for AllHighlyPenetrant. Review status: no assertion criteria provided. Collection method: clinical testing. Allele origin: germline. Inheritance: Autosomal dominant inheritance. Not counted in ClinVar's aggregate classification.
Comment: Likely benign based on allele frequency in 1000 Genomes Project or ESP global frequency and its presence in a patient with a rare or unrelated disease phenotype. NOT Sanger confirmed.

NM_182961.4(SYNE1):c.14061G>C (p.Leu4687=)

Gene: SYNE1 (spectrin repeat containing nuclear envelope protein 1; minus strand). Cytogenetic location: 6q25.2.
Variant type: single nucleotide variant.
Coding change: c.14061G>C on transcript NM_182961.4 (MANE Select); coding-DNA position 14061, G replaced by C.
Protein change: p.Leu4687=; no amino-acid change (leucine 4687 retained).
Molecular consequence: synonymous variant.
Genome position (GRCh38, 1-based): chr6:152,330,624, C>G on the plus strand (G>C on the coding strand, the complement: SYNE1 is on the minus strand). VCF-style: chr6-152330624-C-G. GRCh37 (hg19) VCF-style: chr6-152651759-C-G.
Other names: p.Leu4616=; c.13848G>C, p.Leu4616= (NM_033071.5).
Identifiers: ClinVar variation 130405 (VCV000130405.24), dbSNP rs3734365, ClinGen allele CA155364.